The following is an entry in ClinVar:

ClinVar aggregate classification (germline): Uncertain significance. Review status: criteria provided, multiple submitters, no conflicts (2 of 4 stars). 2 submissions from 2 submitters: Uncertain significance (2). Last evaluated 2025-05-14.

Conditions:
Inborn genetic diseases. Identifiers: MedGen C0950123, MeSH D030342.
Idiopathic generalized epilepsy. Also called: EIG; Generalised epilepsy. Identifiers: MedGen C0270850, MONDO:0005579, OMIM 600669.
Hyperaldosteronism, familial, type IV (HALD4). Also called: FH IV; ALDOSTERONISM, PRIMARY, AND HYPERTENSION. Identifiers: Orphanet 642671, MedGen C4310756, MONDO:0014875, OMIM 617027.

Allele frequency attached by ClinVar (database versions not stated): TOPMed below 0.00001.

Submissions (2):

Ambry Genetics
Classification: Uncertain significance for Inborn genetic diseases. Last evaluated: 2025-05-14. Review status: criteria provided, single submitter. Criteria: Ambry Variant Classification Scheme 2023. Collection method: clinical testing. Allele origin: germline.

Labcorp Genetics (formerly Invitae), Labcorp
Classification: Uncertain significance for Idiopathic generalized epilepsy; Hyperaldosteronism, familial, type IV. Last evaluated: 2022-04-09. Review status: criteria provided, single submitter. Criteria: Invitae Variant Classification Sherloc (09022015). Collection method: clinical testing. Allele origin: germline.
Comment: This sequence change replaces alanine, which is neutral and non-polar, with valine, which is neutral and non-polar, at codon 837 of the CACNA1H protein (p.Ala837Val). This variant is present in population databases (no rsID available, gnomAD 0.003%). This variant has not been reported in the literature in individuals affected with CACNA1H-related conditions. Advanced modeling of protein sequence and biophysical properties (such as structural, functional, and spatial information, amino acid conservation, physicochemical variation, residue mobility, and thermodynamic stability) performed at Invitae indicates that this missense variant is not expected to disrupt CACNA1H protein function. In summary, the available evidence is currently insufficient to determine the role of this variant in disease. Therefore, it has been classified as a Variant of Uncertain Significance.

NM_021098.3(CACNA1H):c.2510C>T (p.Ala837Val)

Gene: CACNA1H (calcium voltage-gated channel subunit alpha1 H; plus strand). Cytogenetic location: 16p13.3.
Variant type: single nucleotide variant.
Coding change: c.2510C>T on transcript NM_021098.3 (MANE Select); coding-DNA position 2510, C replaced by T.
Protein change: p.Ala837Val; replaces alanine 837 with valine.
Molecular consequence: missense variant.
Genome position (GRCh38, 1-based): chr16:1,205,172, C>T. VCF-style: chr16-1205172-C-T. GRCh37 (hg19) VCF-style: chr16-1255172-C-T.
Other names: c.2510C>T, p.Ala837Val (NM_001005407.2); c.2510C>T (NM_021098.2); short protein forms A837V.
Identifiers: ClinVar variation 2153338 (VCV002153338.5), dbSNP rs1355358167, ClinGen allele CA394167438.